The following is an entry in ClinVar:

NM_001006658.3(CR2):c.1673C>A (p.Pro558His)

Gene: CR2 (complement C3d receptor 2; plus strand). Cytogenetic location: 1q32.2.
Variant type: single nucleotide variant.
Coding change: c.1673C>A on transcript NM_001006658.3 (MANE Select); coding-DNA position 1673, C replaced by A.
Protein change: p.Pro558His; replaces proline 558 with histidine.
Molecular consequence: missense variant.
Genome position (GRCh38, 1-based): chr1:207,472,874, C>A. VCF-style: chr1-207472874-C-A. GRCh37 (hg19) VCF-style: chr1-207646219-C-A.
Other names: c.1673C>A, p.Pro558His (NM_001877.5); short protein forms P558H.
Identifiers: ClinVar variation 2498443 (VCV002498443.28), dbSNP rs1658321935, ClinGen allele CA344533909.

ClinVar aggregate classification (germline): Uncertain significance (1 of 4 stars; one submission).

Allele frequency attached by ClinVar (database versions not stated): gnomAD exomes below 0.00001.
gnomAD v4.1: 1 of 1,614,044 alleles (0.000062%); highest among the groups gnomAD compares: Non-Finnish European, 0.000085%; no homozygotes.

Submission:

CeGaT Center for Human Genetics Tuebingen
Classification: Uncertain significance. Last evaluated: 2023-01-01. Review status: criteria provided, single submitter. Criteria: CeGaT Center For Human Genetics Tuebingen Variant Classification Criteria Version 2. Collection method: clinical testing. Allele origin: germline. Affected: yes. Observed: 1 variant allele.
Comment: CR2: PM2, BP4